The following is an entry in ClinVar:

NM_001165963.4(SCN1A):c.4582-4A>G

Genes: SCN1A (sodium voltage-gated channel alpha subunit 1; minus strand), LOC102724058 (uncharacterized LOC102724058; plus strand). Cytogenetic location: 2q24.3.
Variant type: single nucleotide variant.
Coding change: c.4582-4A>G on transcript NM_001165963.4 (MANE Select); 4 bases into the intron before coding-DNA position 4582, A replaced by G.
Molecular consequence: intron variant.
Genome position (GRCh38, 1-based): chr2:165,994,420, T>C on the plus strand (A>G on the coding strand, the complement: SCN1A is on the minus strand). VCF-style: chr2-165994420-T-C. GRCh37 (hg19) VCF-style: chr2-166850930-T-C.
Other names: c.4549-4A>G (NM_001353949.2, NM_001353950.2, NM_001353951.2 and 2 more transcripts); c.4498-4A>G (NM_001353958.2, NM_001353957.2, NM_001165964.3); c.4582-4A>G (NM_001202435.3, NM_001353948.2); c.4546-4A>G (NM_001353955.2, NM_001353954.2); c.4495-4A>G (NM_001353960.2); c.2140-4A>G (NM_001353961.2).
Identifiers: ClinVar variation 516617 (VCV000516617.1), dbSNP rs1057521695, ClinGen allele CA658795927.
Genomic context (GRCh38, chr2:165,994,420, plus strand): 5'-GCTTATGTCAAAAACTTGTCTGGTTACGAAGTCAAAGACCATTCCTTGAAATTTGTTCTG[T>C]AGAGAAATAGAAATGCTTTTAACAACAAAGGAGTTTTCTCATGTGCATTAGCATTAAGTA-3'

ClinVar aggregate classification (germline): Likely benign (1 of 4 stars; one submission).

Allele frequency attached by ClinVar (database versions not stated): gnomAD exomes below 0.00001.
gnomAD v4.1: 2 of 1,612,474 alleles (0.00012%); highest among the groups gnomAD compares: Non-Finnish European, 0.00017%; no homozygotes.

Submission:

GeneDx
Classification: Likely benign. Last evaluated: 2017-02-15. Review status: criteria provided, single submitter. Criteria: GeneDx Variant Classification (06012015). Collection method: clinical testing. Allele origin: germline. Affected: yes.
Comment: This variant is considered likely benign or benign based on one or more of the following criteria: it is a conservative change, it occurs at a poorly conserved position in the protein, it is predicted to be benign by multiple in silico algorithms, and/or has population frequency not consistent with disease.